The following is an entry in ClinVar:

ClinVar aggregate classification (germline): Uncertain significance (1 of 4 stars; one submission).

Submission:

CeGaT Center for Human Genetics Tuebingen
Classification: Uncertain significance. Last evaluated: 2022-08-01. Review status: criteria provided, single submitter. Criteria: CeGaT Center For Human Genetics Tuebingen Variant Classification Criteria Version 2. Collection method: clinical testing. Allele origin: germline. Affected: yes. Observed: 1 variant allele.
Comment: GSN: PM2

NM_198252.3(GSN):c.1323del (p.Trp442fs)

Gene: GSN (gelsolin; plus strand). Cytogenetic location: 9q33.2.
Variant type: Deletion.
Coding change: c.1323del on transcript NM_198252.3 (MANE Select); coding-DNA position 1323, one base deleted (C; older notation c.1323delC).
Protein change: p.Trp442fs; shifts the reading frame from tryptophan 442.
Molecular consequence: frameshift variant.
Genome position (GRCh38, 1-based): chr9:121,321,399, C deleted. VCF-style (leftmost placement, unchanged base first): chr9-121321398-AC-A. GRCh37 (hg19) VCF-style: chr9-124083676-AC-A.
Other names: c.1476del, p.Trp493fs (NM_000177.5); c.1323del, p.Trp442fs (NM_001127662.2, NM_001127664.2, NM_001127665.2 and 10 more transcripts); c.1431del, p.Trp478fs (NM_001127663.2); c.1356del, p.Trp453fs (NM_001127666.2, NM_001127667.2, NM_001353063.2 and 13 more transcripts); c.1374del, p.Trp459fs (NM_001258029.2); c.1347del, p.Trp450fs (NM_001258030.2); c.1395del, p.Trp466fs (NM_001353076.2); c.669del, p.Trp224fs (NM_001353078.2); short protein forms W442fs, W453fs, W459fs, W493fs, W224fs, W466fs, W478fs, W450fs.
Identifiers: ClinVar variation 493491 (VCV000493491.43), dbSNP rs1554821138, ClinGen allele CA658683550.